The following is an entry in ClinVar:

ClinVar aggregate classification (germline): Uncertain significance (1 of 4 stars; one submission).

Allele frequency attached by ClinVar (database versions not stated): TOPMed 0.00001; gnomAD 0.00001.
gnomAD v4.1: 1 of 1,614,054 alleles (0.000062%); highest among the groups gnomAD compares: Non-Finnish European, 0.000085%; no homozygotes.

Submission:

Labcorp Genetics (formerly Invitae), Labcorp
Classification: Uncertain significance. Last evaluated: 2025-06-10. Review status: criteria provided, single submitter. Criteria: Invitae Variant Classification Sherloc (09022015). Collection method: clinical testing. Allele origin: germline.
Comment: This sequence change replaces glycine, which is neutral and non-polar, with aspartic acid, which is acidic and polar, at codon 687 of the TNNI3K protein (p.Gly687Asp). This variant is not present in population databases (gnomAD no frequency). This variant has not been reported in the literature in individuals affected with TNNI3K-related conditions. ClinVar contains an entry for this variant (Variation ID: 2121059). An algorithm developed to predict the effect of missense changes on protein structure and function (PolyPhen-2) suggests that this variant is likely to be disruptive. In summary, the available evidence is currently insufficient to determine the role of this variant in disease. Therefore, it has been classified as a Variant of Uncertain Significance.

NM_015978.3(TNNI3K):c.2060G>A (p.Gly687Asp)

Genes: FPGT-TNNI3K (FPGT-TNNI3K readthrough; plus strand), TNNI3K (TNNI3 interacting kinase; plus strand). Cytogenetic location: 1p31.1.
Variant type: single nucleotide variant.
Coding change: c.2060G>A on transcript NM_015978.3 (MANE Select); coding-DNA position 2060, G replaced by A.
Protein change: p.Gly687Asp; replaces glycine 687 with aspartic acid.
Molecular consequence: missense variant.
Genome position (GRCh38, 1-based): chr1:74,463,489, G>A. VCF-style: chr1-74463489-G-A. GRCh37 (hg19) VCF-style: chr1-74929173-G-A.
Other names: c.2363G>A, p.Gly788Asp (NM_001112808.3, NM_001199327.2); short protein forms G788D, G687D.
Identifiers: ClinVar variation 2121059 (VCV002121059.4), dbSNP rs1234694672, ClinGen allele CA340787504.